The following is an entry in ClinVar:

NM_000204.5(CFI):c.215C>G (p.Thr72Ser)

Gene: CFI (complement factor I; minus strand). Cytogenetic location: 4q25.
Variant type: single nucleotide variant.
Coding change: c.215C>G on transcript NM_000204.5 (MANE Select); coding-DNA position 215, C replaced by G.
Protein change: p.Thr72Ser; replaces threonine 72 with serine.
Molecular consequence: missense variant. On other transcripts: non-coding transcript variant (3), intron variant (1).
Genome position (GRCh38, 1-based): chr4:109,766,667, G>C on the plus strand (C>G on the coding strand, the complement: CFI is on the minus strand). VCF-style: chr4-109766667-G-C. GRCh37 (hg19) VCF-style: chr4-110687823-G-C.
Other names: c.215C>G, p.Thr72Ser (NM_001318057.2, NM_001331035.2, NM_001375278.1 and 5 more transcripts); c.-127-4975C>G (NM_001375284.1); c.215C>G (NM_000204.4); short protein forms T72S.
Identifiers: ClinVar variation 1444481 (VCV001444481.8), dbSNP rs377090638, ClinGen allele CA3042332.
Genomic context (GRCh38, chr4:109,766,667, plus strand): 5'-TCCAAACTCTTTTGTTGACAGTATGTTGGGAAGCTTCTCCTGTTAGTTGCACACACTGCA[G>C]TGCCATTCTTTGGGCACTGATACGGTAGTTTACAAACACAGGTGCCCTCAATGCATCTCT-3'
Protein context (NP_000195.3, residues 62-82): KLPYQCPKNG[Thr72Ser]AVCATNRRSF

ClinVar aggregate classification (germline): Uncertain significance. Review status: criteria provided, multiple submitters, no conflicts (2 of 4 stars). 3 submissions from 3 submitters: Uncertain significance (3). Last evaluated 2026-03-25.

Conditions:
CFI-related disorder. Also called: CFI-related condition; CFI-related disorders. Identifiers: MedGen CN239325.

Allele frequency attached by ClinVar (database versions not stated): ExAC 0.00001; gnomAD exomes 0.00002; TOPMed 0.00002; gnomAD 0.00003; ESP Exome Variant Server 0.00008.
gnomAD v4.1: 41 of 1,614,058 alleles (0.0025%); highest among the groups gnomAD compares: Middle Eastern, 0.016%; no homozygotes.

Submissions (3):

PreventionGenetics, part of Exact Sciences
Classification: Uncertain significance for CFI-related condition. Last evaluated: 2026-03-25. Review status: criteria provided, single submitter. Criteria: ACMG Guidelines, 2015. Collection method: clinical testing. Allele origin: germline.
Comment: The CFI c.215C>G variant is predicted to result in the amino acid substitution p.Thr72Ser. This variant has been reported in individuals with CFI-related conditions, however functional did not support its pathogenicity (de Jong et al. 2020. PubMed ID: 32510551). This variant is reported in 0.0053% of alleles in individuals of European (Non-Finnish) descent in gnomAD. At this time, the clinical significance of this variant is uncertain due to the absence of conclusive functional and genetic evidence.

Genomenon, Inc
Classification: Uncertain significance for CFI-related disorder. Last evaluated: 2025-09-26. Review status: criteria provided, single submitter. Criteria: Genomenon Sequence Variant Interpretation Standards - Updated. Collection method: curation. Allele origin: germline. Affected: yes.
Comment: CFI p.Thr72Ser (c.215C>G) is a missense variant that changes the amino acid at residue 72 from Threonine to Serine. This variant has been observed in at least one proband affected with a CFI-related disorder (PMID:20595690;32510551). Functional studies have been reported; however, the significance of the findings remain unclear (PMID:32510551). It is absent or not present at a significant frequency in gnomAD. In conclusion, we classify CFI p.Thr72Ser (c.215C>G) as a variant of unknown significance.

Labcorp Genetics (formerly Invitae), Labcorp
Classification: Uncertain significance. Last evaluated: 2024-12-24. Review status: criteria provided, single submitter. Criteria: Invitae Variant Classification Sherloc (09022015). Collection method: clinical testing. Allele origin: germline.
Comment: This sequence change replaces threonine, which is neutral and polar, with serine, which is neutral and polar, at codon 72 of the CFI protein (p.Thr72Ser). This variant is present in population databases (rs377090638, gnomAD 0.005%). This missense change has been observed in individual(s) with CFI-related conditions (PMID: 32510551). ClinVar contains an entry for this variant (Variation ID: 1444481). Invitae Evidence Modeling of protein sequence and biophysical properties (such as structural, functional, and spatial information, amino acid conservation, physicochemical variation, residue mobility, and thermodynamic stability) indicates that this missense variant is not expected to disrupt CFI protein function with a negative predictive value of 80%. Studies have shown that this missense change does not significantly alter or has an unclear effect on CFI gene expression (PMID: 32510551). In summary, the available evidence is currently insufficient to determine the role of this variant in disease. Therefore, it has been classified as a Variant of Uncertain Significance.

Literature cited by the submitters: PubMed 20595690 (cited by Genomenon, Inc); 32510551 (cited by Genomenon, Inc); PubMed 32510551 (cited by Labcorp Genetics (formerly Invitae), Labcorp).